The following is an entry in ClinVar:

ClinVar aggregate classification (germline): Uncertain significance (1 of 4 stars; one submission).

Conditions:
Familial thoracic aortic aneurysm and aortic dissection (TAAD). Also called: Thoracic aortic aneurysms and dissections. Identifiers: Orphanet 91387, MedGen C4707243, MONDO:0019625.

Submission:

Color Diagnostics, LLC DBA Color Health
Classification: Uncertain significance for Familial thoracic aortic aneurysm and aortic dissection. Last evaluated: 2024-03-06. Review status: criteria provided, single submitter. Criteria: ACMG Guidelines, 2015. Collection method: clinical testing. Allele origin: germline.
Comment: This missense variant replaces proline with threonine at codon 247 of the COL3A1 protein. Computational prediction suggests that this variant may not impact protein structure and function (internally defined REVEL score threshold <= 0.5, PMID: 27666373). Splice site prediction tools suggest that this variant may not impact RNA splicing. To our knowledge, functional studies have not been performed for this variant. This variant has not been reported in individuals affected with cardiovascular disorders in the literature. This variant has not been identified in the general population by the Genome Aggregation Database (gnomAD). The available evidence is insufficient to determine the role of this variant in disease conclusively. Therefore, this variant is classified as a Variant of Uncertain Significance.

NM_000090.4(COL3A1):c.739C>A (p.Pro247Thr)

Gene: COL3A1 (collagen type III alpha 1 chain; plus strand). Cytogenetic location: 2q32.2.
Variant type: single nucleotide variant.
Coding change: c.739C>A on transcript NM_000090.4 (MANE Select); coding-DNA position 739, C replaced by A.
Protein change: p.Pro247Thr; replaces proline 247 with threonine.
Molecular consequence: missense variant.
Genome position (GRCh38, 1-based): chr2:188,990,144, C>A. VCF-style: chr2-188990144-C-A. GRCh37 (hg19) VCF-style: chr2-189854870-C-A.
Other names: short protein forms P247T.
Identifiers: ClinVar variation 924074 (VCV000924074.4), dbSNP rs1688156029, ClinGen allele CA349849063.
Genomic context (GRCh38, chr2:188,990,144, plus strand): 5'-TTCTCTACCTAGGGAGAATCAGGTAGACCCGGACGACCTGGAGAGCGAGGATTGCCTGGA[C>A]CTCCAGTGAGTCTTCAGCATCTAATAAATTAATTGGAATAATCTTAGCTTGAAAACTATT-3'
Protein context (NP_000081.2, residues 237-257): GRPGERGLPG[Pro247Thr]PGIKGPAGIP